The following is an entry in ClinVar:

ClinVar aggregate classification (germline): Uncertain significance. Review status: criteria provided, multiple submitters, no conflicts (2 of 4 stars). 2 submissions from 2 submitters: Uncertain significance (2). Last evaluated 2023-05-09.

Conditions:
Hereditary spastic paraplegia 11. Also called: SPASTIC PARAPLEGIA, AUTOSOMAL RECESSIVE, COMPLICATED, WITH THIN CORPUS CALLOSUM; SPASTIC PARAPLEGIA, AUTOSOMAL RECESSIVE, WITH MENTAL IMPAIRMENT AND THIN CORPUS CALLOSUM; Spastic paraplegia, mental retardation and thin corpus callosum; Spastic Paraplegia 11; Nakamura Osame syndrome; Autosomal recessive hereditary spastic paraplegia, mental impairment, and thin corpus callosum. Identifiers: Orphanet 2822, MedGen C1858479, MONDO:0011445, OMIM 604360.

Allele frequency attached by ClinVar (database versions not stated): gnomAD 0.00001.
gnomAD v4.1: 2 of 1,614,058 alleles (0.00012%); highest among the groups gnomAD compares: African/African-American, 0.0013%; no homozygotes.

Submissions (2):

Labcorp Genetics (formerly Invitae), Labcorp
Classification: Uncertain significance for Hereditary spastic paraplegia 11. Last evaluated: 2023-05-09. Review status: criteria provided, single submitter. Criteria: Invitae Variant Classification Sherloc (09022015). Collection method: clinical testing. Allele origin: germline.
Comment: In summary, the available evidence is currently insufficient to determine the role of this variant in disease. Therefore, it has been classified as a Variant of Uncertain Significance. Advanced modeling of protein sequence and biophysical properties (such as structural, functional, and spatial information, amino acid conservation, physicochemical variation, residue mobility, and thermodynamic stability) performed at Invitae indicates that this missense variant is not expected to disrupt SPG11 protein function. ClinVar contains an entry for this variant (Variation ID: 1905521). This variant has not been reported in the literature in individuals affected with SPG11-related conditions. This variant is present in population databases (no rsID available, gnomAD 0.01%). This sequence change replaces lysine, which is basic and polar, with glutamic acid, which is acidic and polar, at codon 2413 of the SPG11 protein (p.Lys2413Glu).

GeneDx
Classification: Uncertain significance. Last evaluated: 2022-10-06. Review status: criteria provided, single submitter. Criteria: GeneDx Variant Classification Process June 2021. Collection method: clinical testing. Allele origin: germline. Affected: yes.
Comment: Not observed at significant frequency in large population cohorts (gnomAD); In silico analysis supports that this missense variant does not alter protein structure/function; Has not been previously published as pathogenic or benign to our knowledge

NM_025137.4(SPG11):c.7237A>G (p.Lys2413Glu)

Gene: SPG11 (SPG11 vesicle trafficking associated, spatacsin; minus strand). Cytogenetic location: 15q21.1.
Variant type: single nucleotide variant.
Coding change: c.7237A>G on transcript NM_025137.4 (MANE Select); coding-DNA position 7237, A replaced by G.
Protein change: p.Lys2413Glu; replaces lysine 2413 with glutamic acid.
Molecular consequence: missense variant.
Genome position (GRCh38, 1-based): chr15:44,563,216, T>C on the plus strand (A>G on the coding strand, the complement: SPG11 is on the minus strand). VCF-style: chr15-44563216-T-C. GRCh37 (hg19) VCF-style: chr15-44855414-T-C.
Other names: c.6898A>G, p.Lys2300Glu (NM_001160227.2); c.7093A>G, p.Lys2365Glu (NM_001411132.1); c.7237A>G (NM_025137.3); short protein forms K2300E, K2365E, K2413E.
Identifiers: ClinVar variation 1905521 (VCV001905521.6), dbSNP rs1363316884, ClinGen allele CA392211270.